The following is an entry in ClinVar:

NM_016203.4(PRKAG2):c.1450G>C (p.Glu484Gln)

Gene: PRKAG2 (protein kinase AMP-activated non-catalytic subunit gamma 2; minus strand). Cytogenetic location: 7q36.1.
Variant type: single nucleotide variant.
Coding change: c.1450G>C on transcript NM_016203.4 (MANE Select); coding-DNA position 1450, G replaced by C.
Protein change: p.Glu484Gln; replaces glutamic acid 484 with glutamine.
Molecular consequence: missense variant.
Genome position (GRCh38, 1-based): chr7:151,564,212, C>G on the plus strand (G>C on the coding strand, the complement: PRKAG2 is on the minus strand). VCF-style: chr7-151564212-C-G. GRCh37 (hg19) VCF-style: chr7-151261298-C-G.
Other names: c.1318G>C, p.Glu440Gln (NM_001040633.2); c.1075G>C, p.Glu359Gln (NM_001304527.2); c.727G>C, p.Glu243Gln (NM_001304531.2, NM_024429.2); c.1078G>C, p.Glu360Gln (NM_001363698.2); short protein forms E440Q, E243Q, E484Q, E359Q, E360Q.
Identifiers: ClinVar variation 921986 (VCV000921986.4), dbSNP rs1469637477, ClinGen allele CA370070720.

ClinVar aggregate classification (germline): Uncertain significance (1 of 4 stars; one submission).

Conditions:
Cardiomyopathy (CMYO). Also called: Cardiomyopathies. Identifiers: Orphanet 167848, MedGen C0878544, MONDO:0004994, HP:0001638. Inheritance: Various modes of inheritance.

Allele frequency attached by ClinVar (database versions not stated): TOPMed below 0.00001; gnomAD 0.00001.
gnomAD v4.1: 2 of 1,614,012 alleles (0.00012%); highest among the groups gnomAD compares: Non-Finnish European, 0.00017%; no homozygotes.

Submission:

Color Diagnostics, LLC DBA Color Health
Classification: Uncertain significance for Cardiomyopathy. Last evaluated: 2024-10-15. Review status: criteria provided, single submitter. Criteria: ACMG Guidelines, 2015. Collection method: clinical testing. Allele origin: germline.
Comment: This missense variant replaces glutamic acid with glutamine at codon 484 of the PRKAG2 protein. Computational prediction is inconclusive regarding the impact of this variant on protein structure and function. To our knowledge, functional studies have not been reported for this variant. This variant has been reported in an individual with idiopathic ventricular fibrillation (PMID: 29884292). This variant has not been identified in the general population by the Genome Aggregation Database (gnomAD). The available evidence is insufficient to determine the role of this variant in disease conclusively. Therefore, this variant is classified as a Variant of Uncertain Significance.

Literature cited by the submitters: PubMed 29884292.